The following is an entry in ClinVar:

NM_194248.3(OTOF):c.3774CTC[2] (p.Ser1261del)

Gene: OTOF (otoferlin; minus strand). Cytogenetic location: 2p23.3.
Variant type: Microsatellite.
Coding change: c.3774CTC[2] on transcript NM_194248.3 (MANE Select); two copies in a row of the 3-base unit CTC starting at c.3774; the reference has three copies in a row; one copy, 3 bases deleted.
Protein change: p.Ser1261del; deletes serine 1261.
Molecular consequence: inframe deletion. On other transcripts: intron variant (2).
Genome position (GRCh38, 1-based): chr2:26,472,601-26,472,603, GAG deleted on the plus strand (CTC on the coding strand, the reverse complement: OTOF is on the minus strand); deleting any 3 consecutive bases within chr2:26,472,601-26,472,609 gives the same sequence; the position shown is the placement nearest the transcript's 3' end. VCF-style (leftmost placement, unchanged base first): chr2-26472600-AGAG-A. GRCh37 (hg19) VCF-style: chr2-26695468-AGAG-A.
Other names: c.3774CTC[2], p.Ser1261del (NM_001287489.2); c.1704CTC[2], p.Ser571del (NM_194322.3); c.1493-20CTC[2] (NM_194323.3, NM_004802.4); c.3780_3782del (NM_001287489.2); short protein forms S571del, S1261del.
Identifiers: ClinVar variation 1522771 (VCV001522771.6), dbSNP rs755171049, ClinGen allele CA1563424.

ClinVar aggregate classification (germline): Uncertain significance. Review status: criteria provided, multiple submitters, no conflicts (2 of 4 stars). 2 submissions from 2 submitters: Uncertain significance (2). Last evaluated 2026-04-12.

Submissions (2):

GeneDx
Classification: Uncertain significance. Last evaluated: 2026-04-12. Review status: criteria provided, single submitter. Criteria: GeneDx Variant Classification Process June 2021. Collection method: clinical testing. Allele origin: germline.
Comment: In-frame deletion of one amino acid in a non-repeat region; In silico analysis suggests that this variant does not alter protein structure/function; Has not been previously published as pathogenic or benign to our knowledge

Labcorp Genetics (formerly Invitae), Labcorp
Classification: Uncertain significance. Last evaluated: 2022-03-10. Review status: criteria provided, single submitter. Criteria: Invitae Variant Classification Sherloc (09022015). Collection method: clinical testing. Allele origin: germline.
Comment: This variant, c.3780_3782del, results in the deletion of 1 amino acid(s) of the OTOF protein (p.Ser1261del), but otherwise preserves the integrity of the reading frame. This variant is present in population databases (rs755171049, gnomAD 0.01%). This variant has not been reported in the literature in individuals affected with OTOF-related conditions. Experimental studies and prediction algorithms are not available or were not evaluated, and the functional significance of this variant is currently unknown. Algorithms developed to predict the effect of sequence changes on RNA splicing suggest that this variant may create or strengthen a splice site. In summary, the available evidence is currently insufficient to determine the role of this variant in disease. Therefore, it has been classified as a Variant of Uncertain Significance.